The following is an entry in ClinVar:

ClinVar aggregate classification (germline): Likely benign (1 of 4 stars; one submission).

Allele frequency attached by ClinVar (database versions not stated): TOPMed 0.00004; gnomAD 0.00005; ExAC 0.00025.
gnomAD v4.1: 99 of 1,587,406 alleles (0.0062%); highest among the groups gnomAD compares: Middle Eastern, 0.05%; no homozygotes.

Submission:

CeGaT Center for Human Genetics Tuebingen
Classification: Likely benign. Last evaluated: 2022-07-01. Review status: criteria provided, single submitter. Criteria: CeGaT Center For Human Genetics Tuebingen Variant Classification Criteria Version 2. Collection method: clinical testing. Allele origin: germline. Affected: yes. Observed: 1 variant allele.
Comment: ATG9B: BP4, BP7

NM_001317056.2(ATG9B):c.1048C>A (p.Arg350=)

Gene: ATG9B (autophagy related 9B; minus strand). Cytogenetic location: 7q36.1.
Variant type: single nucleotide variant.
Coding change: c.1048C>A on transcript NM_001317056.2 (MANE Select); coding-DNA position 1048, C replaced by A.
Protein change: p.Arg350=; no amino-acid change (arginine 350 retained).
Molecular consequence: synonymous variant. On other transcripts: non-coding transcript variant (1).
Genome position (GRCh38, 1-based): chr7:151,019,290, G>T on the plus strand (C>A on the coding strand, the complement: ATG9B is on the minus strand). VCF-style: chr7-151019290-G-T. GRCh37 (hg19) VCF-style: chr7-150716377-G-T.
Other names: c.1048C>A, p.Arg350= (NM_173681.5).
Identifiers: ClinVar variation 2658173 (VCV002658173.24), dbSNP rs779962018, ClinGen allele CA4568238.